The following is an entry in ClinVar:

NM_173660.5(DOK7):c.688C>T (p.Arg230Cys)

Genes: DOK7 (docking protein 7; plus strand), LOC129992118 (ATAC-STARR-seq lymphoblastoid silent region 15206; plus strand). Cytogenetic location: 4p16.3.
Variant type: single nucleotide variant.
Coding change: c.688C>T on transcript NM_173660.5 (MANE Select); coding-DNA position 688, C replaced by T.
Protein change: p.Arg230Cys; replaces arginine 230 with cysteine.
Molecular consequence: missense variant. On other transcripts: 5 prime UTR variant (1).
Genome position (GRCh38, 1-based): chr4:3,489,712, C>T. VCF-style: chr4-3489712-C-T. GRCh37 (hg19) VCF-style: chr4-3491439-C-T.
Other names: c.677C>T, p.Ala226Val (NM_001164673.2); c.-243C>T (NM_001256896.2); c.688C>T, p.Arg230Cys (NM_001301071.2); c.256C>T, p.Arg86Cys (NM_001363811.2); short protein forms A226V, R230C, R86C.
Identifiers: ClinVar variation 1018261 (VCV001018261.6), dbSNP rs202077864, ClinGen allele CA2829151.
Genomic context (GRCh38, chr4:3,489,712, plus strand): 5'-CCACCGAGTCTTCTCTCTGCCACAGACCCAAGTCCCCCGGGACCCTCGACTGTGGAGGAG[C>T]GTGTGGCCCAGGAAGCCCTGGAAACCCTACAGCTGGAGAAGCGGCTGAGCCTCCTCTCAC-3'
Protein context (NP_775931.3, residues 220-240): SPPGPSTVEE[Arg230Cys]VAQEALETLQ

ClinVar aggregate classification (germline): Uncertain significance (1 of 4 stars; one submission).

Conditions:
Fetal akinesia deformation sequence 1 (FADS1). Also called: Fetal akinesia sequence; Pena-Shokeir syndrome type I. Identifiers: Orphanet 994, MedGen C1276035, MONDO:0100101, OMIM 208150, HP:0001989.
Congenital myasthenic syndrome 10. Also called: Myasthenia, limb-girdle, familial. Identifiers: Orphanet 590, MedGen C1850792, MONDO:0009690, OMIM 254300.

Allele frequency attached by ClinVar (database versions not stated): TOPMed 0.00006; gnomAD 0.00008 and 0.00010; ExAC 0.00025; 1000 Genomes Project 30x 0.00031; 1000 Genomes Project 0.00040.

Submission:

Labcorp Genetics (formerly Invitae), Labcorp
Classification: Uncertain significance for Congenital myasthenic syndrome 10; Fetal akinesia deformation sequence 1. Last evaluated: 2022-05-29. Review status: criteria provided, single submitter. Criteria: Invitae Variant Classification Sherloc (09022015). Collection method: clinical testing. Allele origin: germline.
Comment: This sequence change replaces arginine, which is basic and polar, with cysteine, which is neutral and slightly polar, at codon 230 of the DOK7 protein (p.Arg230Cys). This variant is present in population databases (rs202077864, gnomAD 0.1%). This variant has not been reported in the literature in individuals affected with DOK7-related conditions. ClinVar contains an entry for this variant (Variation ID: 1018261). Algorithms developed to predict the effect of missense changes on protein structure and function are either unavailable or do not agree on the potential impact of this missense change (SIFT: "Deleterious"; PolyPhen-2: "Probably Damaging"; Align-GVGD: "Class C0"). In summary, the available evidence is currently insufficient to determine the role of this variant in disease. Therefore, it has been classified as a Variant of Uncertain Significance.